The following is an entry in ClinVar:

ClinVar aggregate classification (germline): Likely benign. Review status: criteria provided, multiple submitters, no conflicts (2 of 4 stars). 2 submissions from 2 submitters: Likely benign (2). Last evaluated 2025-07-01.

Allele frequency attached by ClinVar (database versions not stated): TOPMed 0.00179; ESP Exome Variant Server 0.00192; 1000 Genomes Project 0.00220; 1000 Genomes Project 30x 0.00234.
gnomAD v4.1: 556 of 1,613,076 alleles (0.034%); highest among the groups gnomAD compares: African/African-American, 0.54%; 9 homozygotes.

Submissions (2):

CeGaT Center for Human Genetics Tuebingen
Classification: Likely benign. Last evaluated: 2025-07-01. Review status: criteria provided, single submitter. Criteria: CeGaT Center For Human Genetics Tuebingen Variant Classification Criteria Version 2. Collection method: clinical testing. Allele origin: germline. Affected: yes. Observed: 3 variant alleles.
Comment: FLG: BP4, BP7

Blueprint Genetics
Classification: Likely benign. Last evaluated: 2024-08-15. Review status: criteria provided, single submitter. Criteria: ACMG Guidelines, 2015. Collection method: clinical testing. Allele origin: germline.

NM_002016.2(FLG):c.7371G>A (p.Glu2457=)

Genes: CCDST (cervical cancer associated DHX9 suppressive transcript; plus strand), FLG (filaggrin; minus strand). Cytogenetic location: 1q21.3.
Variant type: single nucleotide variant.
Coding change: c.7371G>A on transcript NM_002016.2 (MANE Select); coding-DNA position 7371, G replaced by A.
Protein change: p.Glu2457=; no amino-acid change (glutamic acid 2457 retained).
Molecular consequence: synonymous variant.
Genome position (GRCh38, 1-based): chr1:152,307,515, C>T on the plus strand (G>A on the coding strand, the complement: FLG is on the minus strand). VCF-style: chr1-152307515-C-T. GRCh37 (hg19) VCF-style: chr1-152279991-C-T.
Identifiers: ClinVar variation 2639269 (VCV002639269.25), dbSNP rs112771575, ClinGen allele CA1104760.